The following is an entry in ClinVar:

ClinVar aggregate classification (germline): Uncertain significance (1 of 4 stars; one submission).

Conditions:
Inborn genetic diseases. Identifiers: MedGen C0950123, MeSH D030342.

Submission:

Ambry Genetics
Classification: Uncertain significance for Inborn genetic diseases. Last evaluated: 2024-04-11. Review status: criteria provided, single submitter. Criteria: Ambry Variant Classification Scheme 2023. Collection method: clinical testing. Allele origin: germline.
Comment: The p.E166A variant (also known as c.497A>C), located in coding exon 5 of the BUB1B gene, results from an A to C substitution at nucleotide position 497. The glutamic acid at codon 166 is replaced by alanine, an amino acid with dissimilar properties. This amino acid position is conserved. In addition, this alteration is predicted to be tolerated by in silico analysis. Based on the available evidence, the clinical significance of this variant remains unclear.

NM_001211.6(BUB1B):c.497A>C (p.Glu166Ala)

Gene: BUB1B (BUB1 mitotic checkpoint serine/threonine kinase B; plus strand). Cytogenetic location: 15q15.1.
Variant type: single nucleotide variant.
Coding change: c.497A>C on transcript NM_001211.6 (MANE Select); coding-DNA position 497, A replaced by C.
Protein change: p.Glu166Ala; replaces glutamic acid 166 with alanine.
Molecular consequence: missense variant.
Genome position (GRCh38, 1-based): chr15:40,176,589, A>C. VCF-style: chr15-40176589-A-C. GRCh37 (hg19) VCF-style: chr15-40468790-A-C.
Other names: short protein forms E166A.
Identifiers: ClinVar variation 3135600 (VCV003135600.2), dbSNP rs2542524180, ClinGen allele CA391681288.